The following is an entry in ClinVar:

ClinVar aggregate classification (germline): Uncertain significance. Review status: criteria provided, multiple submitters, no conflicts (2 of 4 stars). 2 submissions from 2 submitters: Uncertain significance (2). Last evaluated 2024-10-16.

Conditions:
Familial cold autoinflammatory syndrome 2 (FCAS2). Identifiers: Orphanet 247868, MedGen C2673198, MONDO:0012724, OMIM 611762.

gnomAD v4.1: 2 of 1,613,998 alleles (0.00012%); highest among the groups gnomAD compares: Non-Finnish European, 0.00017%; no homozygotes.

Submissions (2):

Labcorp Genetics (formerly Invitae), Labcorp
Classification: Uncertain significance for Familial cold autoinflammatory syndrome 2. Last evaluated: 2024-10-16. Review status: criteria provided, single submitter. Criteria: Invitae Variant Classification Sherloc (09022015). Collection method: clinical testing. Allele origin: germline.
Comment: This sequence change replaces glycine, which is neutral and non-polar, with alanine, which is neutral and non-polar, at codon 220 of the NLRP12 protein (p.Gly220Ala). This variant is not present in population databases (gnomAD no frequency). This variant has not been reported in the literature in individuals affected with NLRP12-related conditions. Invitae Evidence Modeling of protein sequence and biophysical properties (such as structural, functional, and spatial information, amino acid conservation, physicochemical variation, residue mobility, and thermodynamic stability) indicates that this missense variant is expected to disrupt NLRP12 protein function with a positive predictive value of 80%. In summary, the available evidence is currently insufficient to determine the role of this variant in disease. Therefore, it has been classified as a Variant of Uncertain Significance.

Blueprint Genetics
Classification: Uncertain significance. Last evaluated: 2021-08-04. Review status: criteria provided, single submitter. Criteria: ACMG Guidelines, 2015. Collection method: clinical testing. Allele origin: germline.

NM_144687.4(NLRP12):c.659G>C (p.Gly220Ala)

Gene: NLRP12 (NLR family pyrin domain containing 12; minus strand). Cytogenetic location: 19q13.42.
Variant type: single nucleotide variant.
Coding change: c.659G>C on transcript NM_144687.4 (MANE Select); coding-DNA position 659, G replaced by C.
Protein change: p.Gly220Ala; replaces glycine 220 with alanine.
Molecular consequence: missense variant.
Genome position (GRCh38, 1-based): chr19:53,811,000, C>G on the plus strand (G>C on the coding strand, the complement: NLRP12 is on the minus strand). VCF-style: chr19-53811000-C-G. GRCh37 (hg19) VCF-style: chr19-54314254-C-G.
Other names: c.659G>C, p.Gly220Ala (NM_001277126.2, NM_001277129.1); short protein forms G220A.
Identifiers: ClinVar variation 2807388 (VCV002807388.4), dbSNP rs757161509, ClinGen allele CA407416126.